The following is an entry in ClinVar:

NM_000747.3(CHRNB1):c.901A>G (p.Thr301Ala)

Gene: CHRNB1 (cholinergic receptor nicotinic beta 1 subunit; plus strand). Cytogenetic location: 17p13.1.
Variant type: single nucleotide variant.
Coding change: c.901A>G on transcript NM_000747.3 (MANE Select); coding-DNA position 901, A replaced by G.
Protein change: p.Thr301Ala; replaces threonine 301 with alanine.
Molecular consequence: missense variant.
Genome position (GRCh38, 1-based): chr17:7,454,377, A>G. VCF-style: chr17-7454377-A-G. GRCh37 (hg19) VCF-style: chr17-7357696-A-G.
Other names: short protein forms T301A.
Identifiers: ClinVar variation 2058234 (VCV002058234.4), dbSNP rs140169734, ClinGen allele CA8347912.

ClinVar aggregate classification (germline): Uncertain significance (1 of 4 stars; one submission).

Conditions:
Congenital myasthenic syndrome 2A. Also called: Myasthenic syndrome, congenital, 2a, slow-channel. Identifiers: Orphanet 590, MedGen C4225374, MONDO:0014581, OMIM 616313.

Allele frequency attached by ClinVar (database versions not stated): TOPMed below 0.00001; gnomAD exomes 0.00001; 1000 Genomes Project 30x 0.00016; ExAC 0.00002; gnomAD 0.00001; 1000 Genomes Project 0.00020.
gnomAD v4.1: 7 of 1,613,898 alleles (0.00043%); highest among the groups gnomAD compares: Admixed American, 0.012%; no homozygotes.

Submission:

Labcorp Genetics (formerly Invitae), Labcorp
Classification: Uncertain significance for Congenital myasthenic syndrome 2A. Last evaluated: 2025-12-20. Review status: criteria provided, single submitter. Criteria: Invitae Variant Classification Sherloc (09022015). Collection method: clinical testing. Allele origin: germline.
Comment: This sequence change replaces threonine, which is neutral and polar, with alanine, which is neutral and non-polar, at codon 301 of the CHRNB1 protein (p.Thr301Ala). This variant is present in population databases (rs140169734, gnomAD 0.01%). This variant has not been reported in the literature in individuals affected with CHRNB1-related conditions. ClinVar contains an entry for this variant (Variation ID: 2058234). Invitae Evidence Modeling of protein sequence and biophysical properties (such as structural, functional, and spatial information, amino acid conservation, physicochemical variation, residue mobility, and thermodynamic stability) indicates that this missense variant is not expected to disrupt CHRNB1 protein function with a negative predictive value of 80%. In summary, the available evidence is currently insufficient to determine the role of this variant in disease. Therefore, it has been classified as a Variant of Uncertain Significance.